The following is an entry in ClinVar:

ClinVar aggregate classification (germline): Likely pathogenic (1 of 4 stars; one submission).

Submission:

GeneDx
Classification: Likely pathogenic. Last evaluated: 2020-12-08. Review status: criteria provided, single submitter. Criteria: GeneDx Variant Classification (06012015). Collection method: clinical testing. Allele origin: germline. Affected: yes.
Comment: Also known as c.-871C>T

NM_001367624.2(ZNF469):c.2814del (p.Ser940fs)

Gene: ZNF469 (zinc finger protein 469; plus strand). Cytogenetic location: 16q24.2.
Variant type: Deletion.
Coding change: c.2814del on transcript NM_001367624.2 (MANE Select); coding-DNA position 2814, one base deleted (G; older notation c.2814delG).
Protein change: p.Ser940fs; shifts the reading frame from serine 940.
Molecular consequence: frameshift variant.
Genome position (GRCh38, 1-based): chr16:88,430,284, G deleted. VCF-style (leftmost placement, unchanged base first): chr16-88430283-CG-C. GRCh37 (hg19) VCF-style: chr16-88496691-CG-C.
Other names: short protein forms S940fs.
Identifiers: ClinVar variation 1047924 (VCV001047924.1), dbSNP rs1906051274, ClinGen allele CA2241072973.